The following is an entry in ClinVar:

NM_000321.3(RB1):c.17C>A (p.Pro6His)

Gene: RB1 (RB transcriptional corepressor 1; plus strand). Cytogenetic location: 13q14.2.
Variant type: single nucleotide variant.
Coding change: c.17C>A on transcript NM_000321.3 (MANE Select); coding-DNA position 17, C replaced by A.
Protein change: p.Pro6His; replaces proline 6 with histidine.
Molecular consequence: missense variant.
Genome position (GRCh38, 1-based): chr13:48,303,929, C>A. VCF-style: chr13-48303929-C-A. GRCh37 (hg19) VCF-style: chr13-48878065-C-A.
Other names: short protein forms P6H.
Identifiers: ClinVar variation 1379378 (VCV001379378.9), dbSNP rs755482658, ClinGen allele CA388250164.

ClinVar aggregate classification (germline): Uncertain significance. Review status: criteria provided, multiple submitters, no conflicts (2 of 4 stars). 2 submissions from 2 submitters: Uncertain significance (2). Last evaluated 2024-09-23.

Conditions:
Retinoblastoma (RB1). Also called: RETINOBLASTOMA, SOMATIC. Identifiers: Orphanet 790, MedGen C0035335, MeSH D012175, MONDO:0008380, OMIM 180200, HP:0009919. Disease mechanism: loss of function. Inheritance: Both sporadic and heritable forms are tested..

Submissions (2):

All of Us Research Program, National Institutes of Health
Classification: Uncertain significance for Retinoblastoma. Last evaluated: 2024-09-23. Review status: criteria provided, single submitter. Criteria: ACMG Guidelines, 2015. Collection method: clinical testing. Allele origin: germline. Inheritance: Autosomal dominant inheritance. Observed: 1 variant allele, 1 heterozygote.
Comment: This study involves interpretation of variants in research participants for the purpose of population health screening. Participant phenotype was not available at the time of variant classification. Additional details can be found in publication PMID: 35346344, PMCID: PMC8962531

Labcorp Genetics (formerly Invitae), Labcorp
Classification: Uncertain significance for Retinoblastoma. Last evaluated: 2021-03-17. Review status: criteria provided, single submitter. Criteria: Invitae Variant Classification Sherloc (09022015). Collection method: clinical testing. Allele origin: germline.
Comment: In summary, the available evidence is currently insufficient to determine the role of this variant in disease. Therefore, it has been classified as a Variant of Uncertain Significance. Algorithms developed to predict the effect of missense changes on protein structure and function are either unavailable or do not agree on the potential impact of this missense change (SIFT: "Tolerated"; PolyPhen-2: "Not Available"; Align-GVGD: "Class C0"). This variant has not been reported in the literature in individuals with RB1-related conditions. The frequency data for this variant in the population databases is considered unreliable, as metrics indicate insufficient coverage at this position in the ExAC database. This sequence change replaces proline with histidine at codon 6 of the RB1 protein (p.Pro6His). The proline residue is moderately conserved and there is a moderate physicochemical difference between proline and histidine.